The following is an entry in ClinVar:

NM_001394062.1(MACF1):c.3529C>A (p.Gln1177Lys)

Gene: MACF1 (microtubule actin crosslinking factor 1; plus strand). Cytogenetic location: 1p34.3.
Variant type: single nucleotide variant.
Coding change: c.3529C>A on transcript NM_001394062.1 (MANE Select); coding-DNA position 3529, C replaced by A.
Protein change: p.Gln1177Lys; replaces glutamine 1177 with lysine.
Molecular consequence: missense variant.
Genome position (GRCh38, 1-based): chr1:39,316,470, C>A. VCF-style: chr1-39316470-C-A. GRCh37 (hg19) VCF-style: chr1-39782142-C-A.
Other names: c.3544C>A, p.Gln1182Lys (NM_012090.5); short protein forms Q1177K, Q1182K.
Identifiers: ClinVar variation 3369058 (VCV003369058.2).

ClinVar aggregate classification (germline): Uncertain significance. Review status: criteria provided, multiple submitters, no conflicts (2 of 4 stars). 2 submissions from 2 submitters: Uncertain significance (2). Last evaluated 2025-10-10.

Conditions:
MACF1-related disorder. Also called: MACF1-related condition.

gnomAD v4.1: 1 of 1,613,732 alleles (0.000062%); highest among the groups gnomAD compares: Non-Finnish European, 0.000085%; no homozygotes.

Submissions (2):

PreventionGenetics, part of Exact Sciences
Classification: Uncertain significance for MACF1-related condition. Last evaluated: 2025-10-10. Review status: criteria provided, single submitter. Criteria: ACMG Guidelines, 2015. Collection method: clinical testing. Allele origin: germline.
Comment: The MACF1 c.3544C>A variant is predicted to result in the amino acid substitution p.Gln1182Lys. To our knowledge, this variant has not been reported in the literature or in a large population database (gnomAD), indicating this variant is rare. At this time, the clinical significance of this variant is uncertain due to the absence of conclusive functional and genetic evidence.

GeneDx
Classification: Uncertain significance. Last evaluated: 2024-02-12. Review status: criteria provided, single submitter. Criteria: GeneDx Variant Classification Process June 2021. Collection method: clinical testing. Allele origin: germline. Affected: yes.
Comment: Not observed at significant frequency in large population cohorts (gnomAD); In silico analysis supports that this missense variant has a deleterious effect on protein structure/function; Has not been previously published as pathogenic or benign to our knowledge